The following is an entry in ClinVar:

NM_004863.4(SPTLC2):c.38C>T (p.Thr13Met)

Gene: SPTLC2 (serine palmitoyltransferase long chain base subunit 2; minus strand). Cytogenetic location: 14q24.3.
Variant type: single nucleotide variant.
Coding change: c.38C>T on transcript NM_004863.4 (MANE Select); coding-DNA position 38, C replaced by T.
Protein change: p.Thr13Met; replaces threonine 13 with methionine.
Molecular consequence: missense variant.
Genome position (GRCh38, 1-based): chr14:77,616,542, G>A on the plus strand (C>T on the coding strand, the complement: SPTLC2 is on the minus strand). VCF-style: chr14-77616542-G-A. GRCh37 (hg19) VCF-style: chr14-78082885-G-A.
Other names: short protein forms T13M.
Identifiers: ClinVar variation 1057609 (VCV001057609.11), dbSNP rs745644125, ClinGen allele CA7289525.

ClinVar aggregate classification (germline): Uncertain significance. Review status: criteria provided, multiple submitters, no conflicts (2 of 4 stars). 2 submissions from 2 submitters: Uncertain significance (2). Last evaluated 2025-08-18.

Conditions:
Inborn genetic diseases. Identifiers: MedGen C0950123, MeSH D030342.
Neuropathy, hereditary sensory and autonomic, type 1C. Also called: HSAN IC; HSN IC. Identifiers: Orphanet 36386, MedGen C3150896, MONDO:0013337, OMIM 613640.

Allele frequency attached by ClinVar (database versions not stated): gnomAD exomes 0.00002; TOPMed 0.00008; gnomAD 0.00010 and 0.00011; 1000 Genomes Project 30x 0.00016.
gnomAD v4.1: 43 of 1,535,998 alleles (0.0028%); highest among the groups gnomAD compares: African/African-American, 0.041%; no homozygotes.

Submissions (2):

Labcorp Genetics (formerly Invitae), Labcorp
Classification: Uncertain significance for Neuropathy, hereditary sensory and autonomic, type 1C. Last evaluated: 2025-08-18. Review status: criteria provided, single submitter. Criteria: Invitae Variant Classification Sherloc (09022015). Collection method: clinical testing. Allele origin: germline.
Comment: This sequence change replaces threonine, which is neutral and polar, with methionine, which is neutral and non-polar, at codon 13 of the SPTLC2 protein (p.Thr13Met). The frequency data for this variant in the population databases is considered unreliable, as metrics indicate poor data quality at this position in the gnomAD database. This variant has not been reported in the literature in individuals affected with SPTLC2-related conditions. ClinVar contains an entry for this variant (Variation ID: 1057609). Invitae Evidence Modeling of protein sequence and biophysical properties (such as structural, functional, and spatial information, amino acid conservation, physicochemical variation, residue mobility, and thermodynamic stability) indicates that this missense variant is not expected to disrupt SPTLC2 protein function with a negative predictive value of 95%. In summary, the available evidence is currently insufficient to determine the role of this variant in disease. Therefore, it has been classified as a Variant of Uncertain Significance.

Ambry Genetics
Classification: Uncertain significance for Inborn genetic diseases. Last evaluated: 2021-08-09. Review status: criteria provided, single submitter. Criteria: Ambry Variant Classification Scheme 2023. Collection method: clinical testing. Allele origin: germline.